The following is an entry in ClinVar:

ClinVar aggregate classification (germline): Pathogenic (1 of 4 stars; one submission).

Conditions:
Hypoparathyroidism, deafness, renal disease syndrome (HDRS). Also called: HYPOPARATHYROIDISM, SENSORINEURAL DEAFNESS, AND RENAL DYSPLASIA SYNDROME. Identifiers: Orphanet 2237, MedGen C1840333, MONDO:0007797, OMIM 146255.

Submission:

MVZ Medizinische Genetik Mainz
Classification: Pathogenic for Hypoparathyroidism, deafness, renal disease syndrome. Last evaluated: 2024-06-06. Review status: criteria provided, single submitter. Criteria: UK Practice Guidelines For Variant Classification V4 01 2020. Collection method: clinical testing. Allele origin: germline. Inheritance: Autosomal dominant inheritance. Affected: yes. Observed: 1 variant allele.
Comment: ACMG Criteria: PVS1,PM2_SUP

NM_001002295.2(GATA3):c.902del (p.Leu301fs)

Gene: GATA3 (GATA binding protein 3; plus strand). Cytogenetic location: 10p14.
Variant type: Deletion.
Coding change: c.902del on transcript NM_001002295.2 (MANE Select); coding-DNA position 902, one base deleted (T; older notation c.902delT).
Protein change: p.Leu301fs; shifts the reading frame from leucine 301.
Molecular consequence: frameshift variant.
Genome position (GRCh38, 1-based): chr10:8,064,116, T deleted. VCF-style (leftmost placement, unchanged base first): chr10-8064115-CT-C. GRCh37 (hg19) VCF-style: chr10-8106078-CT-C.
Other names: c.899del, p.Leu300fs (NM_002051.3); short protein forms L300fs, L301fs.
Identifiers: ClinVar variation 3248540 (VCV003248540.2), dbSNP rs2491485930.